The following is an entry in ClinVar:

NM_000052.7(ATP7A):c.1337-16T>A

Gene: ATP7A (ATPase copper transporting alpha; plus strand). Cytogenetic location: Xq21.1.
Variant type: single nucleotide variant.
Coding change: c.1337-16T>A on transcript NM_000052.7 (MANE Select); 16 bases into the intron before coding-DNA position 1337, T replaced by A.
Molecular consequence: intron variant.
Genome position (GRCh38, 1-based): chrX:77,998,462, T>A. VCF-style: chrX-77998462-T-A. GRCh37 (hg19) VCF-style: chrX-77253959-T-A.
Other names: c.1337-16T>A (NM_001282224.2).
Identifiers: ClinVar variation 2945960 (VCV002945960.4), dbSNP rs1199992144, ClinGen allele CA642475269.

ClinVar aggregate classification (germline): Conflicting classifications of pathogenicity. Review status: criteria provided, conflicting classifications (1 of 4 stars). 2 submissions from 2 submitters: Uncertain significance (1); Likely benign (1). Last evaluated 2025-07-03.

Conditions:
Menkes kinky-hair syndrome (MNK). Also called: Copper transport disease; Menkes Disease; Classic Menkes Disease. Identifiers: Orphanet 565, MedGen C0022716, MONDO:0010651, OMIM 309400.
Cutis laxa, X-linked (OHS). Also called: EDS IX; Occipital horn syndrome. Identifiers: Orphanet 198, MedGen C0268353, MONDO:0010572, OMIM 304150.
X-linked distal spinal muscular atrophy type 3. Also called: ATP7A-Related Distal Motor Neuropathy; SPINAL MUSCULAR ATROPHY, DISTAL, X-LINKED RECESSIVE; NEURONOPATHY, DISTAL HEREDITARY MOTOR, X-LINKED; NEUROPATHY, DISTAL HEREDITARY MOTOR, X-LINKED. Identifiers: Orphanet 139557, MedGen C1845359, MONDO:0010338, OMIM 300489.

Allele frequency attached by ClinVar (database versions not stated): TOPMed 0.00001; gnomAD 0.00002.
gnomAD v4.1: 17 of 1,205,138 alleles (0.0014%); highest among the groups gnomAD compares: Non-Finnish European, 0.0019%; no homozygotes.

Submissions (2):

Labcorp Genetics (formerly Invitae), Labcorp
Classification: Likely benign for X-linked distal spinal muscular atrophy type 3; Cutis laxa, X-linked; Menkes kinky-hair syndrome. Last evaluated: 2025-07-03. Review status: criteria provided, single submitter. Criteria: Invitae Variant Classification Sherloc (09022015). Collection method: clinical testing. Allele origin: germline.

ARUP Laboratories, Molecular Genetics and Genomics, ARUP Laboratories
Classification: Uncertain significance. Last evaluated: 2023-12-08. Review status: criteria provided, single submitter. Criteria: ARUP Molecular Germline Variant Investigation Process 2024. Collection method: clinical testing. Allele origin: germline.
Comment: The ATP7A c.1337-16T>A variant (rs1199992144), to our knowledge, is not reported in the medical literature or gene specific databases. This variant is found in the non-Finnish European population with an allele frequency of 0.002% (2/81530 alleles) in the Genome Aggregation Database (v2.1.1). This is an intronic variant, but computational analyses (Alamut Visual Plus v.1.5.1) predict that this variant may impact splicing by weakening the nearby canonical acceptor splice site. However, given the lack of clinical and functional data, the significance of this variant is uncertain at this time.